The following is an entry in ClinVar:

ClinVar aggregate classification (germline): Uncertain significance (1 of 4 stars; one submission).

Allele frequency attached by ClinVar (database versions not stated): gnomAD exomes below 0.00001; TOPMed 0.00001.
gnomAD v4.1: 1 of 1,614,094 alleles (0.000062%); highest among the groups gnomAD compares: African/African-American, 0.0013%; no homozygotes.

Submission:

Ambry Genetics
Classification: Uncertain significance. Last evaluated: 2024-06-09. Review status: criteria provided, single submitter. Criteria: Ambry Variant Classification Scheme 2023. Collection method: clinical testing. Allele origin: germline.
Comment: The p.F657L variant (also known as c.1969T>C), located in coding exon 10 of the PALLD gene, results from a T to C substitution at nucleotide position 1969. The phenylalanine at codon 657 is replaced by leucine, an amino acid with highly similar properties. This amino acid position is conserved. In addition, this alteration is predicted to be tolerated by in silico analysis. Since supporting evidence is limited at this time, the clinical significance of this alteration remains unclear.

NM_001166108.2(PALLD):c.1969T>C (p.Phe657Leu)

Gene: PALLD (palladin, cytoskeletal associated protein; plus strand). Cytogenetic location: 4q32.3.
Variant type: single nucleotide variant.
Coding change: c.1969T>C on transcript NM_001166108.2 (MANE Select); coding-DNA position 1969, T replaced by C.
Protein change: p.Phe657Leu; replaces phenylalanine 657 with leucine.
Molecular consequence: missense variant. On other transcripts: 5 prime UTR variant (4).
Genome position (GRCh38, 1-based): chr4:168,890,926, T>C. VCF-style: chr4-168890926-T-C. GRCh37 (hg19) VCF-style: chr4-169812077-T-C.
Other names: c.823T>C, p.Phe275Leu (NM_001166109.2); c.508T>C, p.Phe170Leu (NM_001166110.2); c.-153T>C (NM_001367567.1, NM_001367568.1, NM_001367569.1 and 1 more transcripts); c.1969T>C, p.Phe657Leu (NM_016081.4); short protein forms F275L, F657L, F170L.
Identifiers: ClinVar variation 1783574 (VCV001783574.3), dbSNP rs891678743, ClinGen allele CA110517285.